The following is an entry in ClinVar:

NM_144573.4(NEXN):c.2014G>A (p.Glu672Lys)

Gene: NEXN (nexilin F-actin binding protein; plus strand). Cytogenetic location: 1p31.1.
Variant type: single nucleotide variant.
Coding change: c.2014G>A on transcript NM_144573.4 (MANE Select); coding-DNA position 2014, G replaced by A.
Protein change: p.Glu672Lys; replaces glutamic acid 672 with lysine.
Molecular consequence: missense variant.
Genome position (GRCh38, 1-based): chr1:77,942,815, G>A. VCF-style: chr1-77942815-G-A. GRCh37 (hg19) VCF-style: chr1-78408500-G-A.
Other names: c.1822G>A, p.Glu608Lys (NM_001172309.2); short protein forms E608K, E672K.
Identifiers: ClinVar variation 841719 (VCV000841719.8), dbSNP rs771695320, ClinGen allele CA919021.

ClinVar aggregate classification (germline): Uncertain significance (1 of 4 stars; one submission).

Conditions:
Dilated cardiomyopathy 1CC (CMD1CC). Identifiers: Orphanet 154, MedGen C2751084, MONDO:0013147, OMIM 613122.
Hypertrophic cardiomyopathy 20. Identifiers: MedGen C3151267, MONDO:0013477, OMIM 613876.

Allele frequency attached by ClinVar (database versions not stated): gnomAD exomes below 0.00001; ExAC 0.00001; gnomAD 0.00001; TOPMed 0.00001.
gnomAD v4.1: 17 of 1,601,062 alleles (0.0011%); highest among the groups gnomAD compares: Non-Finnish European, 0.0015%; no homozygotes.

Submission:

Labcorp Genetics (formerly Invitae), Labcorp
Classification: Uncertain significance for Dilated cardiomyopathy 1CC; Hypertrophic cardiomyopathy 20. Last evaluated: 2026-01-06. Review status: criteria provided, single submitter. Criteria: Invitae Variant Classification Sherloc (09022015). Collection method: clinical testing. Allele origin: germline.
Comment: This sequence change replaces glutamic acid, which is acidic and polar, with lysine, which is basic and polar, at codon 672 of the NEXN protein (p.Glu672Lys). This variant is present in population databases (rs771695320, gnomAD 0.0009%). This variant has not been reported in the literature in individuals affected with NEXN-related conditions. ClinVar contains an entry for this variant (Variation ID: 841719). Invitae Evidence Modeling of protein sequence and biophysical properties (such as structural, functional, and spatial information, amino acid conservation, physicochemical variation, residue mobility, and thermodynamic stability) has been performed for this missense variant. However, the output from this modeling did not meet the statistical confidence thresholds required to predict the impact of this variant on NEXN protein function. In summary, the available evidence is currently insufficient to determine the role of this variant in disease. Therefore, it has been classified as a Variant of Uncertain Significance.